The following is an entry in ClinVar:

ClinVar aggregate classification (germline): Benign. Review status: criteria provided, multiple submitters, no conflicts (2 of 4 stars). 4 submissions from 4 submitters: Benign (4). Last evaluated 2024-11-27.

Allele frequency attached by ClinVar (database versions not stated): ESP Exome Variant Server 0.40945; gnomAD exomes 0.44823 and 0.48760; gnomAD 0.44911 and 0.45812; TOPMed 0.45055; ExAC 0.49111; 1000 Genomes Project 30x 0.52577; 1000 Genomes Project 0.53055.

Submissions (4):

Blueprint Genetics
Classification: Benign. Last evaluated: 2024-11-27. Review status: criteria provided, single submitter. Criteria: ACMG Guidelines, 2015. Collection method: clinical testing. Allele origin: germline.

Unidad de Genómica Garrahan, Hospital de Pediatría Garrahan
Classification: Benign. Last evaluated: 2024-07-15. Review status: criteria provided, single submitter. Criteria: ACMG Guidelines, 2015. Collection method: clinical testing. Allele origin: germline. Affected: no. Observed: 67 variant alleles.
Comment: This variant is classified as Benign based on local population frequency. This variant was detected in 72% of patients studied in a panel designed for Epileptic and Developmental Encephalopathy and Progressive Myoclonus Epilepsy. Number of patients: 67. Only high quality variants are reported.

GeneDx
Classification: Benign. Last evaluated: 2020-08-07. Review status: criteria provided, single submitter. Criteria: GeneDx Variant Classification Process June 2021. Collection method: clinical testing. Allele origin: germline. Affected: yes.

Breakthrough Genomics
Classification: Benign. Review status: criteria provided, single submitter. Criteria: ACMG Guidelines, 2015. Collection method: not provided. Allele origin: germline. Inheritance: Autosomal recessive inheritance. Affected: yes.

NM_004204.5(PIGQ):c.*318T>C

Gene: PIGQ (phosphatidylinositol glycan anchor biosynthesis class Q; plus strand). Cytogenetic location: 16p13.3.
Variant type: single nucleotide variant.
Coding change: c.*318T>C on transcript NM_004204.5 (MANE Select); 318 bases downstream of the stop codon, T replaced by C.
Molecular consequence: 3 prime UTR variant. On other transcripts: missense variant (1).
Genome position (GRCh38, 1-based): chr16:583,353, T>C. VCF-style: chr16-583353-T-C. GRCh37 (hg19) VCF-style: chr16-633353-T-C.
Other names: c.2002T>C, p.Cys668Arg (NM_148920.4); short protein forms C668R.
Identifiers: ClinVar variation 1277846 (VCV001277846.5), dbSNP rs710924, ClinGen allele CA7780590.